The following is an entry in ClinVar:

NM_198525.3(KIF7):c.2227C>A (p.Gln743Lys)

Gene: KIF7 (kinesin family member 7; minus strand). Cytogenetic location: 15q26.1.
Variant type: single nucleotide variant.
Coding change: c.2227C>A on transcript NM_198525.3 (MANE Select); coding-DNA position 2227, C replaced by A.
Protein change: p.Gln743Lys; replaces glutamine 743 with lysine.
Molecular consequence: missense variant.
Genome position (GRCh38, 1-based): chr15:89,642,370, G>T on the plus strand (C>A on the coding strand, the complement: KIF7 is on the minus strand). VCF-style: chr15-89642370-G-T. GRCh37 (hg19) VCF-style: chr15-90185601-G-T.
Other names: short protein forms Q743K.
Identifiers: ClinVar variation 426631 (VCV000426631.10), dbSNP rs145324453, ClinGen allele CA7728265.

ClinVar aggregate classification (germline): Uncertain significance. Review status: criteria provided, multiple submitters, no conflicts (2 of 4 stars). 4 submissions from 4 submitters: Uncertain significance (4). Last evaluated 2024-11-26.

Conditions:
Hydrolethalus syndrome 2 (HLS2). Identifiers: Orphanet 2189, MedGen C3279899, MONDO:0013585, OMIM 614120.
Multiple epiphyseal dysplasia, Al-Gazali type. Also called: Macrocephaly with multiple epiphyseal dysplasia and distinctive facies. Identifiers: Orphanet 166024, MedGen C1846722, MONDO:0011778, OMIM 607131.
Acrocallosal syndrome (ACLS). Also called: HALLUX DUPLICATION, POSTAXIAL POLYDACTYLY, AND ABSENCE OF CORPUS CALLOSUM; Schinzel syndrome 1; Absence of corpus callosum with unusual facial appearance, mental deficiency, duplication of the halluces and polydactyly. Identifiers: Orphanet 36, MedGen C0796147, MONDO:0008708, OMIM 200990.
Inborn genetic diseases. Identifiers: MedGen C0950123, MeSH D030342.

Allele frequency attached by ClinVar (database versions not stated): gnomAD 0.00001; gnomAD exomes 0.00001; ExAC 0.00002; TOPMed 0.00002; ESP Exome Variant Server 0.00015.
gnomAD v4.1: 18 of 1,608,186 alleles (0.0011%); highest among the groups gnomAD compares: Middle Eastern, 0.018%; no homozygotes.

Submissions (4):

Ambry Genetics
Classification: Uncertain significance for Inborn genetic diseases. Last evaluated: 2024-11-26. Review status: criteria provided, single submitter. Criteria: Ambry Variant Classification Scheme 2023. Collection method: clinical testing. Allele origin: germline.

Fulgent Genetics
Classification: Uncertain significance for Acrocallosal syndrome; Multiple epiphyseal dysplasia, Al-Gazali type; Hydrolethalus syndrome 2. Last evaluated: 2024-04-10. Review status: criteria provided, single submitter. Criteria: ACMG Guidelines, 2015. Collection method: clinical testing. Allele origin: germline.

Labcorp Genetics (formerly Invitae), Labcorp
Classification: Uncertain significance for Acrocallosal syndrome. Last evaluated: 2022-06-10. Review status: criteria provided, single submitter. Criteria: Invitae Variant Classification Sherloc (09022015). Collection method: clinical testing. Allele origin: germline.
Comment: This sequence change replaces glutamine, which is neutral and polar, with lysine, which is basic and polar, at codon 743 of the KIF7 protein (p.Gln743Lys). The frequency data for this variant in the population databases is considered unreliable, as metrics indicate poor data quality at this position in the gnomAD database. This variant has not been reported in the literature in individuals affected with KIF7-related conditions. ClinVar contains an entry for this variant (Variation ID: 426631). Algorithms developed to predict the effect of missense changes on protein structure and function (SIFT, PolyPhen-2, Align-GVGD) all suggest that this variant is likely to be tolerated. In summary, the available evidence is currently insufficient to determine the role of this variant in disease. Therefore, it has been classified as a Variant of Uncertain Significance.

GeneDx
Classification: Uncertain significance. Last evaluated: 2017-04-10. Review status: criteria provided, single submitter. Criteria: GeneDx Variant Classification (06012015). Collection method: clinical testing. Allele origin: germline. Affected: yes.
Comment: A variant of uncertain significance has been identified in the KIF7 gene. The Q743K variant has not been published as a pathogenic variant, nor has it been reported as a benign variant to our knowledge. The Q743K variant is not observed at a significant frequency in large population cohorts (Lek et al., 2016; 1000 Genomes Consortium et al., 2015; Exome Variant Server). The Q743K variant is a semi-conservative amino acid substitution, which may impact secondary protein structure as these residues differ in some properties. This substitution occurs at a position that is conserved in mammals. In silico analysis is inconsistent in its predictions as to whether or not the variant is damaging to the protein structure/function. Based on the currently available information, it is unclear whether this variant is a pathogenic variant or a rare benign variant.